The following is an entry in ClinVar:

ClinVar aggregate classification (germline): Conflicting classifications of pathogenicity. Review status: criteria provided, conflicting classifications (1 of 4 stars). 2 submissions from 2 submitters: Uncertain significance (1); Likely benign (1). Last evaluated 2026-04-13.

Conditions:
INPP5E-related disorder. Also called: INPP5E-related condition.
Inborn genetic diseases. Identifiers: MedGen C0950123, MeSH D030342.

Submissions (2):

PreventionGenetics, part of Exact Sciences
Classification: Uncertain significance for INPP5E-related condition. Last evaluated: 2026-04-13. Review status: criteria provided, single submitter. Criteria: ACMG Guidelines, 2015. Collection method: clinical testing. Allele origin: germline.
Comment: The INPP5E c.1327G>A variant is predicted to result in the amino acid substitution p.Val443Ile. To our knowledge, this variant has not been reported in the literature. This variant is reported in 0.011% of alleles in individuals of African descent in gnomAD. At this time, the clinical significance of this variant is uncertain due to the absence of conclusive functional and genetic evidence.

Ambry Genetics
Classification: Likely benign for Inborn genetic diseases. Last evaluated: 2025-12-22. Review status: criteria provided, single submitter. Criteria: Ambry Variant Classification Scheme 2023. Collection method: clinical testing. Allele origin: germline.

NM_019892.6(INPP5E):c.1327G>A (p.Val443Ile)

Gene: INPP5E (inositol polyphosphate-5-phosphatase E; minus strand). Cytogenetic location: 9q34.3.
Variant type: single nucleotide variant.
Coding change: c.1327G>A on transcript NM_019892.6 (MANE Select); coding-DNA position 1327, G replaced by A.
Protein change: p.Val443Ile; replaces valine 443 with isoleucine.
Molecular consequence: missense variant.
Genome position (GRCh38, 1-based): chr9:136,432,539, C>T on the plus strand (G>A on the coding strand, the complement: INPP5E is on the minus strand). VCF-style: chr9-136432539-C-T. GRCh37 (hg19) VCF-style: chr9-139326991-C-T.
Other names: c.1327G>A (NM_019892.4); c.1324G>A, p.Val442Ile (NM_001318502.2); short protein forms V442I, V443I.
Identifiers: ClinVar variation 3352306 (VCV003352306.3).
Genomic context (GRCh38, chr9:136,432,539, plus strand): 5'-CTGCGCTGGAGCGATAGGGGTTGGTGTCGGGCACATTTCTGGGCAGGACCAGGGCTTGTA[C>T]AGTCCTGGTGTAGTCCAGCAGCCGCTCCGCCACCTTCCCGTCACCTGCTGTGGGAACAGA-3'
Protein context (NP_063945.2, residues 433-453): AERLLDYTRT[Val443Ile]QALVLPRNVP